The following is an entry in ClinVar:

ClinVar aggregate classification (germline): Conflicting classifications of pathogenicity. Review status: criteria provided, conflicting classifications (1 of 4 stars). 3 submissions from 3 submitters: Pathogenic (1); Likely pathogenic (1); Uncertain significance (1). Last evaluated 2025-12-09.

Conditions:
Cerebral arteriopathy, autosomal dominant, with subcortical infarcts and leukoencephalopathy, type 1 (CADASIL1). Also called: DEMENTIA, HEREDITARY MULTIINFARCT TYPE; CADASIL 1; CASIL; Cerebral arteriopathy with subcortical infarcts and leukoencephalopathy 1. Identifiers: Orphanet 136, MedGen C4551768, MONDO:0000914, OMIM 125310.

Allele frequency attached by ClinVar (database versions not stated): TOPMed below 0.00001; gnomAD 0.00001; gnomAD exomes 0.00001.
gnomAD v4.1: 14 of 1,611,220 alleles (0.00087%); highest among the groups gnomAD compares: African/African-American, 0.0027%; no homozygotes.

Submissions (3):

Women's Health and Genetics/Laboratory Corporation of America, LabCorp
Classification: Likely pathogenic for Cerebral arteriopathy, autosomal dominant, with subcortical infarcts and leukoencephalopathy, type 1. Last evaluated: 2025-12-09. Review status: criteria provided, single submitter. Criteria: LabCorp Variant Classification Summary - May 2015. Collection method: clinical testing. Allele origin: germline.
Comment: Variant summary: NOTCH3 c.3298C>T (p.Arg1100Cys) results in a non-conservative amino acid change creating a novel cysteine residue in the EGF-like repeat region (IPR000742), within the EGFR28 domain (UniProt). Gain/loss of cysteine residues in the EGF-like repeat domains have been shown to be typical mutations of CADASIL and NOTCH3-related disorders (PMIDs 32457593, 39191170). Algorithms developed to predict the effect of missense changes on protein structure and function all suggest that this variant is likely to be disruptive. The variant allele was found at a frequency of 8.7e-06 in 1605234 control chromosomes (gnomAD). This frequency is not significantly higher than estimated for disease-causing variants in NOTCH3, allowing no conclusion about variant significance. The variant, c.3298C>T, has been observed in individuals diagnosed with Cerebral arteriopathy, autosomal dominant, with subcortical infarcts and leukoencephalopathy, type 1 (CADASIL1), or had clinical manifestations (including stroke, and diffuse leukoencephalopathy on brain MRI) consistent with CADASIL (e.g. Monkare_2022, Cho_2022, Cheng_2023, Wang_2021). These data indicate that the variant is likely to be associated with disease. To our knowledge, no experimental evidence demonstrating an impact on protein function has been reported. The following publications have been ascertained in the context of this evaluation (PMID: 36086804, 35641310, 33712516, 36300346, 36535904, 37479695, 34222332, 39271666). ClinVar contains an entry for this variant (Variation ID: 1807370). Based on the evidence outlined above, the variant was classified as likely pathogenic.

CeGaT Center for Human Genetics Tuebingen
Classification: Uncertain significance. Last evaluated: 2023-01-01. Review status: criteria provided, single submitter. Criteria: CeGaT Center For Human Genetics Tuebingen Variant Classification Criteria Version 2. Collection method: clinical testing. Allele origin: germline. Affected: yes. Observed: 1 variant allele.
Comment: NOTCH3: PP2

Athena Diagnostics
Classification: Pathogenic. Last evaluated: 2021-10-13. Review status: criteria provided, single submitter. Criteria: Athena Diagnostics Criteria. Collection method: clinical testing. Allele origin: unknown.
Comment: This variant has not been reported in large, multi-ethnic general populations. This variant has been identified in at least one individual with clinical features associated with this gene. This variant alters a critical location within the protein, and is expected to severely affect function and cause disease. Greater than 90% of pathogenic variants identified in NOTCH3 involve the gain or loss of a cysteine residue within the epidermal growth factor (EGF)-like repeat domain.

Literature cited by the submitters: PubMed 35641310 (cited by Women's Health and Genetics/Laboratory Corporation of America, LabCorp); PubMed 36535904 (cited by Women's Health and Genetics/Laboratory Corporation of America, LabCorp); PubMed 37479695 (cited by Women's Health and Genetics/Laboratory Corporation of America, LabCorp); PubMed 36300346 (cited by Women's Health and Genetics/Laboratory Corporation of America, LabCorp); PubMed 33712516 (cited by Women's Health and Genetics/Laboratory Corporation of America, LabCorp); PubMed 36086804 (cited by Women's Health and Genetics/Laboratory Corporation of America, LabCorp); PubMed 39271666 (cited by Women's Health and Genetics/Laboratory Corporation of America, LabCorp); PubMed 34222332 (cited by Women's Health and Genetics/Laboratory Corporation of America, LabCorp and Athena Diagnostics).

NM_000435.3(NOTCH3):c.3298C>T (p.Arg1100Cys)

Gene: NOTCH3 (notch receptor 3; minus strand). Cytogenetic location: 19p13.12.
Variant type: single nucleotide variant.
Coding change: c.3298C>T on transcript NM_000435.3 (MANE Select); coding-DNA position 3298, C replaced by T.
Protein change: p.Arg1100Cys; replaces arginine 1100 with cysteine.
Molecular consequence: missense variant.
Genome position (GRCh38, 1-based): chr19:15,180,101, G>A on the plus strand (C>T on the coding strand, the complement: NOTCH3 is on the minus strand). VCF-style: chr19-15180101-G-A. GRCh37 (hg19) VCF-style: chr19-15290912-G-A.
Other names: short protein forms R1100C.
Identifiers: ClinVar variation 1807370 (VCV001807370.26), dbSNP rs963416165, ClinGen allele CA305769949.